The following is an entry in ClinVar:

ClinVar aggregate classification (germline): Conflicting classifications of pathogenicity. Review status: criteria provided, conflicting classifications (1 of 4 stars). 4 submissions from 4 submitters: Uncertain significance (3); Benign (1). Last evaluated 2025-06-26.

Conditions:
Ehlers-Danlos syndrome, classic type, 1 (EDSCL1). Also called: EHLERS-DANLOS SYNDROME, GRAVIS TYPE; EHLERS-DANLOS SYNDROME, SEVERE CLASSIC TYPE; Ehlers-Danlos Syndrome, Classic Type, COL5A1-Related; EDS I; Ehlers-Danlos syndrome, type 1. Identifiers: MedGen C0268335, MONDO:0019567, OMIM 130000.
Ehlers-Danlos syndrome, classic type (cEDS). Identifiers: Orphanet 287, MedGen C4225429, MONDO:0007522.

Allele frequency attached by ClinVar (database versions not stated): gnomAD exomes 0.00002 and 0.00001; TOPMed 0.00002; gnomAD 0.00001; ExAC 0.00002.
gnomAD v4.1: 17 of 1,613,922 alleles (0.0011%); highest among the groups gnomAD compares: East Asian, 0.0089%; no homozygotes.

Submissions (4):

Women's Health and Genetics/Laboratory Corporation of America, LabCorp
Classification: Uncertain significance. Last evaluated: 2025-06-26. Review status: criteria provided, single submitter. Criteria: LabCorp Variant Classification Summary - May 2015. Collection method: clinical testing. Allele origin: germline.
Comment: Variant summary: COL5A1 c.2723C>T (p.Pro908Leu) results in a non-conservative amino acid change in the encoded protein sequence. Algorithms developed to predict the effect of missense changes on protein structure and function all suggest that this variant is likely to be disruptive. The variant allele was found at a frequency of 1.6e-05 in 250850 control chromosomes. The available data on variant occurrences in the general population are insufficient to allow any conclusion about variant significance. To our knowledge, no occurrence of c.2723C>T in individuals affected with Ehlers-Danlos syndrome, classic type, Ehlers-Danlos syndrome, classic type, 1 and no experimental evidence demonstrating its impact on protein function have been reported. ClinVar contains an entry for this variant (Variation ID: 409104). Based on the evidence outlined above, the variant was classified as uncertain significance.

Labcorp Genetics (formerly Invitae), Labcorp
Classification: Benign for Ehlers-Danlos syndrome, classic type, 1. Last evaluated: 2025-05-29. Review status: criteria provided, single submitter. Criteria: Invitae Variant Classification Sherloc (09022015). Collection method: clinical testing. Allele origin: germline.

GeneDx
Classification: Uncertain significance. Last evaluated: 2024-03-06. Review status: criteria provided, single submitter. Criteria: GeneDx Variant Classification Process June 2021. Collection method: clinical testing. Allele origin: germline. Affected: yes.
Comment: Has not been previously published as pathogenic or benign to our knowledge; Not observed at significant frequency in large population cohorts (gnomAD); Occurs in the triple helical domain at the X position in the canonical Gly-X-Y repeat; although this variant may have an effect on normal protein folding and function, missense substitution at the X position is not a common mechanism of disease (PMID: 22696272; HGMD); In silico analysis supports that this missense variant has a deleterious effect on protein structure/function; This variant is associated with the following publications: (PMID: 22696272)

ARUP Laboratories, Molecular Genetics and Genomics, ARUP Laboratories
Classification: Uncertain significance for Ehlers-Danlos syndrome, classic type, 1. Last evaluated: 2020-01-03. Review status: criteria provided, single submitter. Criteria: ARUP Molecular Germline Variant Investigation Process. Collection method: clinical testing. Allele origin: germline.
Comment: The COL5A1 c.2723C>T; p.Pro908Leu variant (rs772211736), to our knowledge, is not reported in the medical literature but is reported in ClinVar (Variation ID: 409104). This variant is found on only four chromosomes (4/250850 alleles) in the Genome Aggregation Database. The proline at codon 908 is highly conserved, but computational analyses (SIFT: tolerated, PolyPhen-2: damaging) predict conflicting effects of this variant on protein structure/function. However, due to limited information, the clinical significance of the p.Pro908Leu variant is uncertain at this time.

NM_000093.5(COL5A1):c.2723C>T (p.Pro908Leu)

Gene: COL5A1 (collagen type V alpha 1 chain; plus strand). Cytogenetic location: 9q34.3.
Variant type: single nucleotide variant.
Coding change: c.2723C>T on transcript NM_000093.5 (MANE Select); coding-DNA position 2723, C replaced by T.
Protein change: p.Pro908Leu; replaces proline 908 with leucine.
Molecular consequence: missense variant.
Genome position (GRCh38, 1-based): chr9:134,795,104, C>T. VCF-style: chr9-134795104-C-T. GRCh37 (hg19) VCF-style: chr9-137686950-C-T.
Other names: c.2723C>T (NM_000093.3); c.2723C>T, p.Pro908Leu (NM_001278074.1); short protein forms P908L.
Identifiers: ClinVar variation 409104 (VCV000409104.19), dbSNP rs772211736, ClinGen allele CA5319558.